The following is an entry in ClinVar:

NM_000483.5(APOC2):c.10del (p.Arg4fs)

Genes: APOC2 (apolipoprotein C2; plus strand), APOC4-APOC2 (APOC4-APOC2 readthrough (NMD candidate); plus strand). Cytogenetic location: 19q13.32.
Variant type: Deletion.
Coding change: c.10del on transcript NM_000483.5 (MANE Select); coding-DNA position 10, one base deleted (C; older notation c.10delC).
Protein change: p.Arg4fs; shifts the reading frame from arginine 4.
Molecular consequence: frameshift variant. On other transcripts: non-coding transcript variant (1).
Genome position (GRCh38, 1-based): chr19:44,948,488, C deleted. VCF-style (leftmost placement, unchanged base first): chr19-44948487-AC-A. GRCh37 (hg19) VCF-style: chr19-45451744-AC-A.
Other names: short protein forms R4fs.
Identifiers: ClinVar variation 1937520 (VCV001937520.5), dbSNP rs2513572254, ClinGen allele CA2580097387.

ClinVar aggregate classification (germline): Pathogenic (1 of 4 stars; one submission).

Submission:

Labcorp Genetics (formerly Invitae), Labcorp
Classification: Pathogenic. Last evaluated: 2022-08-03. Review status: criteria provided, single submitter. Criteria: Invitae Variant Classification Sherloc (09022015). Collection method: clinical testing. Allele origin: germline.
Comment: This sequence change creates a premature translational stop signal (p.Arg4Aspfs*37) in the APOC2 gene. It is expected to result in an absent or disrupted protein product. Loss-of-function variants in APOC2 are known to be pathogenic (PMID: 1569385, 1971748, 26772541). This variant is not present in population databases (gnomAD no frequency). For these reasons, this variant has been classified as Pathogenic. This variant has not been reported in the literature in individuals affected with APOC2-related conditions.

Literature cited by the submitters: PubMed 1569385; PubMed 1971748; PubMed 26772541.